The following is an entry in ClinVar:

NM_001267550.2(TTN):c.37040-12A>G

Gene: TTN (titin; minus strand). Cytogenetic location: 2q31.2.
Variant type: single nucleotide variant.
Coding change: c.37040-12A>G on transcript NM_001267550.2 (MANE Select); 12 bases into the intron before coding-DNA position 37040, A replaced by G.
Molecular consequence: intron variant.
Genome position (GRCh38, 1-based): chr2:178,662,234, T>C on the plus strand (A>G on the coding strand, the complement: TTN is on the minus strand). VCF-style: chr2-178662234-T-C. GRCh37 (hg19) VCF-style: chr2-179526961-T-C.
Other names: c.13283-19917A>G (NM_003319.4); c.13859-19917A>G (NM_133437.4); c.13658-19917A>G (NM_133432.3); c.31573+732A>G (NM_133378.4); c.34354+732A>G (NM_001256850.1).
Identifiers: ClinVar variation 3464266 (VCV003464266.2).

ClinVar aggregate classification (germline): Uncertain significance (1 of 4 stars; one submission).

Conditions:
Cardiovascular phenotype. Identifiers: MedGen CN230736.

Submission:

Ambry Genetics
Classification: Uncertain significance for Cardiovascular phenotype. Last evaluated: 2025-11-18. Review status: criteria provided, single submitter. Criteria: Ambry Variant Classification Scheme 2023. Collection method: clinical testing. Allele origin: germline.
Comment: The c.13283-19917A>G intronic alteration consists of an A to G substitution 19917 nucleotides before exon 47 (coding exon 46) of the TTN gene. Based on data from gnomAD, the G allele has an overall frequency of 0.014% (2/14686) total alleles studied. The highest observed frequency was 0.098% (2/2040) of South Asian alleles. This nucleotide position is highly conserved in available vertebrate species. In silico splice site analysis predicts that this alteration may weaken the native splice acceptor site and will result in the creation or strengthening of a novel splice acceptor site. Based on insufficient or conflicting evidence, the clinical significance of this alteration remains unclear.